The following is an entry in ClinVar:

ClinVar aggregate classification (germline): Pathogenic (1 of 4 stars; one submission).

Conditions:
Mosaic variegated aneuploidy syndrome 1 (MVA1). Also called: Warburton-Anyane-Yeboa syndrome. Identifiers: Orphanet 1052, MedGen C1850343, MONDO:0009759, OMIM 257300.

Submission:

Labcorp Genetics (formerly Invitae), Labcorp
Classification: Pathogenic for Mosaic variegated aneuploidy syndrome 1. Last evaluated: 2025-07-29. Review status: criteria provided, single submitter. Criteria: Invitae Variant Classification Sherloc (09022015). Collection method: clinical testing. Allele origin: germline.
Comment: This sequence change creates a premature translational stop signal (p.Ser96*) in the BUB1B gene. It is expected to result in an absent or disrupted protein product. Loss-of-function variants in BUB1B are known to be pathogenic (PMID: 15475955, 21190457). This variant is not present in population databases (gnomAD no frequency). This variant has not been reported in the literature in individuals affected with BUB1B-related conditions. For these reasons, this variant has been classified as Pathogenic.

Literature cited by the submitters: PubMed 15475955; PubMed 21190457.

NM_001211.6(BUB1B):c.282_283del (p.Glu95_Ser96insTer)

Gene: BUB1B (BUB1 mitotic checkpoint serine/threonine kinase B; plus strand). Cytogenetic location: 15q15.1.
Variant type: Deletion.
Coding change: c.282_283del on transcript NM_001211.6 (MANE Select); coding-DNA positions 282 to 283, 2 bases deleted (GG; older notation c.282_283delGG).
Protein change: p.Glu95_Ser96insTer.
Molecular consequence: frameshift variant.
Genome position (GRCh38, 1-based): chr15:40,170,579-40,170,580, GG deleted. VCF-style (leftmost placement, unchanged base first): chr15-40170578-AGG-A. GRCh37 (hg19) VCF-style: chr15-40462779-AGG-A.
Identifiers: ClinVar variation 4712329 (VCV004712329.1).